The following is an entry in ClinVar:

NM_000443.4(ABCB4):c.1686A>G (p.Ala562=)

Gene: ABCB4 (ATP binding cassette subfamily B member 4; minus strand). Cytogenetic location: 7q21.12.
Variant type: single nucleotide variant.
Coding change: c.1686A>G on transcript NM_000443.4 (MANE Select); coding-DNA position 1686, A replaced by G.
Protein change: p.Ala562=; no amino-acid change (alanine 562 retained).
Molecular consequence: synonymous variant.
Genome position (GRCh38, 1-based): chr7:87,439,712, T>C on the plus strand (A>G on the coding strand, the complement: ABCB4 is on the minus strand). VCF-style: chr7-87439712-T-C. GRCh37 (hg19) VCF-style: chr7-87069028-T-C.
Other names: c.1686A>G, p.Ala562= (NM_018849.3, NM_018850.3).
Identifiers: ClinVar variation 3009523 (VCV003009523.4), dbSNP rs1810843325, ClinGen allele CA456348896.
Genomic context (GRCh38, chr7:87,439,712, plus strand): 5'-TTAGAGTCTACTGACCTTATCCAGAGCTGCCTGTACCTCAGCTTCACTTTCTGTGTCCAA[T>C]GCTGACGTGGCCTCATCCAGCAGAAGGATCTTGGGGTTGCGAACCAGGGCACGTGCAATG-3'
Protein context (NP_000434.1, residues 552-572): KILLLDEATS[Ala562=]LDTESEAEVQ

ClinVar aggregate classification (germline): Likely benign. Review status: criteria provided, multiple submitters, no conflicts (2 of 4 stars). 2 submissions from 2 submitters: Likely benign (2). Last evaluated 2026-04-14.

Conditions:
Low phospholipid associated cholelithiasis (GBD1). Also called: Gallbladder disease 1; Gallstone cholecystitis. Identifiers: Orphanet 69663, MedGen C2609268, MONDO:0010939, OMIM 600803.
Familial intrahepatic cholestasis. Identifiers: Orphanet 284385, MedGen CN296401, MONDO:0017290.

Allele frequency attached by ClinVar (database versions not stated): gnomAD exomes below 0.00001; TOPMed below 0.00001.
gnomAD v4.1: 1 of 1,614,176 alleles (0.000062%); highest among the groups gnomAD compares: Non-Finnish European, 0.000085%; no homozygotes.

Submissions (2):

Genomenon, Inc
Classification: Likely benign for Familial intrahepatic cholestasis; Low phospholipid associated cholelithiasis. Last evaluated: 2026-04-14. Review status: criteria provided, single submitter. Criteria: Genomenon Sequence Variant Interpretation Standards - Updated. Collection method: curation. Allele origin: germline. Affected: no.
Comment: ABCB4 c.1686A>G is a synonymous variant that retains Alanine at residue 562. This variant has been reported in the published literature (PMID:34111087). It is absent or not present at a significant frequency in gnomAD. This synonymous variant is not predicted to impact splicing. In conclusion, we classify ABCB4 p.Ala562= (c.1686A>G) as a likely benign variant.

Labcorp Genetics (formerly Invitae), Labcorp
Classification: Likely benign. Last evaluated: 2023-09-08. Review status: criteria provided, single submitter. Criteria: Invitae Variant Classification Sherloc (09022015). Collection method: clinical testing. Allele origin: germline.

Literature cited by the submitters: PubMed 34111087 (cited by Genomenon, Inc).